The following is an entry in ClinVar:

ClinVar aggregate classification (germline): Uncertain significance (1 of 4 stars; one submission).

Allele frequency attached by ClinVar (database versions not stated): ExAC 0.00002.
gnomAD v4.1: 31 of 1,612,554 alleles (0.0019%); highest among the groups gnomAD compares: Non-Finnish European, 0.0026%; no homozygotes.

Submission:

Labcorp Genetics (formerly Invitae), Labcorp
Classification: Uncertain significance. Last evaluated: 2023-07-08. Review status: criteria provided, single submitter. Criteria: Invitae Variant Classification Sherloc (09022015). Collection method: clinical testing. Allele origin: germline.
Comment: An algorithm developed to predict the effect of missense changes on protein structure and function (PolyPhen-2) suggests that this variant is likely to be disruptive. In summary, the available evidence is currently insufficient to determine the role of this variant in disease. Therefore, it has been classified as a Variant of Uncertain Significance. This variant has not been reported in the literature in individuals affected with AHDC1-related conditions. This variant is present in population databases (rs767656012, gnomAD 0.002%). This sequence change replaces glutamic acid, which is acidic and polar, with glutamine, which is neutral and polar, at codon 265 of the AHDC1 protein (p.Glu265Gln).

NM_001371928.1(AHDC1):c.793G>C (p.Glu265Gln)

Gene: AHDC1 (AT-hook DNA binding motif containing 1; minus strand). Cytogenetic location: 1p36.11.
Variant type: single nucleotide variant.
Coding change: c.793G>C on transcript NM_001371928.1 (MANE Select); coding-DNA position 793, G replaced by C.
Protein change: p.Glu265Gln; replaces glutamic acid 265 with glutamine.
Molecular consequence: missense variant.
Genome position (GRCh38, 1-based): chr1:27,551,323, C>G on the plus strand (G>C on the coding strand, the complement: AHDC1 is on the minus strand). VCF-style: chr1-27551323-C-G. GRCh37 (hg19) VCF-style: chr1-27877834-C-G.
Other names: c.793G>C, p.Glu265Gln (NM_001029882.3); short protein forms E265Q.
Identifiers: ClinVar variation 2962469 (VCV002962469.3), dbSNP rs767656012, ClinGen allele CA716082.